The following is an entry in ClinVar:

NM_000553.6(WRN):c.890G>T (p.Arg297Met)

Gene: WRN (WRN RecQ like helicase; plus strand). Cytogenetic location: 8p12.
Variant type: single nucleotide variant.
Coding change: c.890G>T on transcript NM_000553.6 (MANE Select); coding-DNA position 890, G replaced by T.
Protein change: p.Arg297Met; replaces arginine 297 with methionine.
Molecular consequence: missense variant.
Genome position (GRCh38, 1-based): chr8:31,080,917, G>T. VCF-style: chr8-31080917-G-T. GRCh37 (hg19) VCF-style: chr8-30938433-G-T.
Other names: short protein forms R297M.
Identifiers: ClinVar variation 1024353 (VCV001024353.3), dbSNP rs1442789662, ClinGen allele CA370919762.

ClinVar aggregate classification (germline): Uncertain significance (1 of 4 stars; one submission).

Conditions:
Werner syndrome (WRN). Identifiers: Orphanet 902, MedGen C0043119, MONDO:0010196, OMIM 277700.

Submission:

Labcorp Genetics (formerly Invitae), Labcorp
Classification: Uncertain significance for Werner syndrome. Last evaluated: 2023-09-20. Review status: criteria provided, single submitter. Criteria: Invitae Variant Classification Sherloc (09022015). Collection method: clinical testing. Allele origin: germline.
Comment: Algorithms developed to predict the effect of missense changes on protein structure and function output the following: SIFT: "Not Available"; PolyPhen-2: "Benign"; Align-GVGD: "Not Available". The methionine amino acid residue is found in multiple mammalian species, which suggests that this missense change does not adversely affect protein function. This sequence change replaces arginine, which is basic and polar, with methionine, which is neutral and non-polar, at codon 297 of the WRN protein (p.Arg297Met). This variant is not present in population databases (gnomAD no frequency). This variant has not been reported in the literature in individuals affected with WRN-related conditions. ClinVar contains an entry for this variant (Variation ID: 1024353). In summary, the available evidence is currently insufficient to determine the role of this variant in disease. Therefore, it has been classified as a Variant of Uncertain Significance.